The following is an entry in ClinVar:

ClinVar aggregate classification (germline): Uncertain significance (1 of 4 stars; one submission).

Submission:

Labcorp Genetics (formerly Invitae), Labcorp
Classification: Uncertain significance. Last evaluated: 2022-11-08. Review status: criteria provided, single submitter. Criteria: Invitae Variant Classification Sherloc (09022015). Collection method: clinical testing. Allele origin: germline.
Comment: This sequence change replaces proline, which is neutral and non-polar, with leucine, which is neutral and non-polar, at codon 698 of the CDHR1 protein (p.Pro698Leu). In summary, the available evidence is currently insufficient to determine the role of this variant in disease. Therefore, it has been classified as a Variant of Uncertain Significance. Advanced modeling of protein sequence and biophysical properties (such as structural, functional, and spatial information, amino acid conservation, physicochemical variation, residue mobility, and thermodynamic stability) performed at Invitae indicates that this missense variant is not expected to disrupt CDHR1 protein function. ClinVar contains an entry for this variant (Variation ID: 1472867). This variant has not been reported in the literature in individuals affected with CDHR1-related conditions. This variant is not present in population databases (gnomAD no frequency).

NM_033100.4(CDHR1):c.2093C>T (p.Pro698Leu)

Gene: CDHR1 (cadherin related family member 1; plus strand). Cytogenetic location: 10q23.1.
Variant type: single nucleotide variant.
Coding change: c.2093C>T on transcript NM_033100.4 (MANE Select); coding-DNA position 2093, C replaced by T.
Protein change: p.Pro698Leu; replaces proline 698 with leucine.
Molecular consequence: missense variant. On other transcripts: intron variant (1).
Genome position (GRCh38, 1-based): chr10:84,214,134, C>T. VCF-style: chr10-84214134-C-T. GRCh37 (hg19) VCF-style: chr10-85973890-C-T.
Other names: c.2040+786C>T (NM_001171971.3); short protein forms P698L.
Identifiers: ClinVar variation 1472867 (VCV001472867.6), dbSNP rs1424565711, ClinGen allele CA377379173.